The following is an entry in ClinVar:

NM_000059.4(BRCA2):c.1727del (p.Asn576fs)

Gene: BRCA2 (BRCA2 DNA repair associated; plus strand). Cytogenetic location: 13q13.1.
Variant type: Deletion.
Coding change: c.1727del on transcript NM_000059.4 (MANE Select); coding-DNA position 1727, one base deleted (A; older notation c.1727delA).
Protein change: p.Asn576fs; shifts the reading frame from asparagine 576.
Molecular consequence: frameshift variant. On other transcripts: non-coding transcript variant (1), intron variant (1).
Genome position (GRCh38, 1-based): chr13:32,333,205, A deleted; the last of 2 consecutive A bases (chr13:32,333,204-32,333,205); deleting either gives the same sequence. VCF-style (leftmost placement, unchanged base first): chr13-32333203-GA-G. GRCh37 (hg19) VCF-style: chr13-32907340-GA-G.
Other names: c.1727del, p.Asn576fs (NM_001406719.1, NM_001406720.1, NM_001406721.1 and 1 more transcripts); c.424+2175del (NM_001406722.1); short protein forms N576fs.
Identifiers: ClinVar variation 3992819 (VCV003992819.1).

ClinVar aggregate classification (germline): Pathogenic (1 of 4 stars; one submission).

Conditions:
Hereditary cancer-predisposing syndrome. Also called: Tumor predisposition; Hereditary neoplastic syndrome; Neoplastic Syndromes, Hereditary; Hereditary Cancer Syndrome. Identifiers: Orphanet 140162, MedGen C0027672, MeSH D009386, MONDO:0015356.

Submission:

Ambry Genetics
Classification: Pathogenic for Hereditary cancer-predisposing syndrome. Last evaluated: 2025-05-21. Review status: criteria provided, single submitter. Criteria: Ambry Variant Classification Scheme 2023. Collection method: clinical testing. Allele origin: germline.
Comment: The c.1727delA pathogenic mutation, located in coding exon 9 of the BRCA2 gene, results from a deletion of one nucleotide at nucleotide position 1727, causing a translational frameshift with a predicted alternate stop codon (p.N576Mfs*4). This variant is considered to be rare based on population cohorts in the Genome Aggregation Database (gnomAD). This alteration is expected to result in loss of function by premature protein truncation or nonsense-mediated mRNA decay. As such, this alteration is interpreted as a disease-causing mutation.